The following is an entry in ClinVar:

ClinVar aggregate classification (germline): Uncertain significance (1 of 4 stars; one submission).

Conditions:
Progressive myoclonic epilepsy type 5. Identifiers: Orphanet 402082, MedGen C5190799.

Allele frequency attached by ClinVar (database versions not stated): gnomAD 0.00001; gnomAD exomes 0.00001 and 0.00002; TOPMed 0.00001; ExAC 0.00002.
gnomAD v4.1: 12 of 1,613,988 alleles (0.00074%); highest among the groups gnomAD compares: Non-Finnish European, 0.00076%; no homozygotes.

Submission:

Labcorp Genetics (formerly Invitae), Labcorp
Classification: Uncertain significance for Progressive myoclonic epilepsy type 5. Last evaluated: 2024-01-03. Review status: criteria provided, single submitter. Criteria: Invitae Variant Classification Sherloc (09022015). Collection method: clinical testing. Allele origin: germline.
Comment: This sequence change replaces asparagine, which is neutral and polar, with tyrosine, which is neutral and polar, at codon 620 of the PRICKLE2 protein (p.Asn620Tyr). This variant is present in population databases (rs757993759, gnomAD 0.003%). This variant has not been reported in the literature in individuals affected with PRICKLE2-related conditions. ClinVar contains an entry for this variant (Variation ID: 1057524). Advanced modeling of protein sequence and biophysical properties (such as structural, functional, and spatial information, amino acid conservation, physicochemical variation, residue mobility, and thermodynamic stability) performed at Invitae indicates that this missense variant is not expected to disrupt PRICKLE2 protein function with a negative predictive value of 80%. In summary, the available evidence is currently insufficient to determine the role of this variant in disease. Therefore, it has been classified as a Variant of Uncertain Significance.

NM_198859.4(PRICKLE2):c.1858A>T (p.Asn620Tyr)

Genes: PRICKLE2-AS1 (PRICKLE2 antisense RNA 1; plus strand), PRICKLE2 (prickle planar cell polarity protein 2; minus strand). Cytogenetic location: 3p14.1.
Variant type: single nucleotide variant.
Coding change: c.1858A>T on transcript NM_198859.4 (MANE Select); coding-DNA position 1858, A replaced by T.
Protein change: p.Asn620Tyr; replaces asparagine 620 with tyrosine.
Molecular consequence: missense variant. On other transcripts: non-coding transcript variant (1).
Genome position (GRCh38, 1-based): chr3:64,099,728, T>A on the plus strand (A>T on the coding strand, the complement: PRICKLE2 is on the minus strand). VCF-style: chr3-64099728-T-A. GRCh37 (hg19) VCF-style: chr3-64085404-T-A.
Other names: c.1858A>T, p.Asn620Tyr (NM_001370528.1); short protein forms N620Y.
Identifiers: ClinVar variation 1057524 (VCV001057524.4), dbSNP rs757993759, ClinGen allele CA2479538.